The following is an entry in ClinVar:

NM_002439.5(MSH3):c.658T>A (p.Ser220Thr)

Gene: MSH3 (mutS homolog 3; plus strand). Cytogenetic location: 5q14.1.
Variant type: single nucleotide variant.
Coding change: c.658T>A on transcript NM_002439.5 (MANE Select); coding-DNA position 658, T replaced by A.
Protein change: p.Ser220Thr; replaces serine 220 with threonine.
Molecular consequence: missense variant.
Genome position (GRCh38, 1-based): chr5:80,670,175, T>A. VCF-style: chr5-80670175-T-A. GRCh37 (hg19) VCF-style: chr5-79965994-T-A.
Other names: short protein forms S220T.
Identifiers: ClinVar variation 4654647 (VCV004654647.1).

ClinVar aggregate classification (germline): Uncertain significance (1 of 4 stars; one submission).

Conditions:
Hereditary cancer-predisposing syndrome. Also called: Neoplastic Syndromes, Hereditary; Tumor predisposition; Hereditary Cancer Syndrome; Hereditary neoplastic syndrome. Identifiers: Orphanet 140162, MedGen C0027672, MeSH D009386, MONDO:0015356.

Submission:

Ambry Genetics
Classification: Uncertain significance for Hereditary cancer-predisposing syndrome. Last evaluated: 2025-10-30. Review status: criteria provided, single submitter. Criteria: Ambry Variant Classification Scheme 2023. Collection method: clinical testing. Allele origin: germline.
Comment: The p.S220T variant (also known as c.658T>A), located in coding exon 4 of the MSH3 gene, results from a T to A substitution at nucleotide position 658. The serine at codon 220 is replaced by threonine, an amino acid with similar properties. This amino acid position is conserved. In addition, this alteration is predicted to be tolerated by in silico analysis. Based on the available evidence, the clinical significance of this variant remains unclear.